The following is an entry in ClinVar:

ClinVar aggregate classification (germline): Uncertain significance (1 of 4 stars; one submission).

gnomAD v4.1: 30 of 1,210,475 alleles (0.0025%); highest among the groups gnomAD compares: East Asian, 0.074%; no homozygotes.

Submission:

Labcorp Genetics (formerly Invitae), Labcorp
Classification: Uncertain significance. Last evaluated: 2025-04-26. Review status: criteria provided, single submitter. Criteria: Invitae Variant Classification Sherloc (09022015). Collection method: clinical testing. Allele origin: germline.
Comment: This sequence change replaces glycine, which is neutral and non-polar, with valine, which is neutral and non-polar, at codon 65 of the AMER1 protein (p.Gly65Val). This variant is present in population databases (rs767748008, gnomAD 0.02%), including at least one homozygous and/or hemizygous individual. This variant has not been reported in the literature in individuals affected with AMER1-related conditions. An algorithm developed to predict the effect of missense changes on protein structure and function (PolyPhen-2) suggests that this variant is likely to be disruptive. In summary, the available evidence is currently insufficient to determine the role of this variant in disease. Therefore, it has been classified as a Variant of Uncertain Significance.

NM_152424.4(AMER1):c.194G>T (p.Gly65Val)

Gene: AMER1 (APC membrane recruitment protein 1; minus strand). Cytogenetic location: Xq11.2.
Variant type: single nucleotide variant.
Coding change: c.194G>T on transcript NM_152424.4 (MANE Select); coding-DNA position 194, G replaced by T.
Protein change: p.Gly65Val; replaces glycine 65 with valine.
Molecular consequence: missense variant.
Genome position (GRCh38, 1-based): chrX:64,193,093, C>A on the plus strand (G>T on the coding strand, the complement: AMER1 is on the minus strand). VCF-style: chrX-64193093-C-A. GRCh37 (hg19) VCF-style: chrX-63412973-C-A.
Other names: short protein forms G65V.
Identifiers: ClinVar variation 4754293 (VCV004754293.1).